The following is an entry in ClinVar:

NM_000435.3(NOTCH3):c.3838C>A (p.Pro1280Thr)

Gene: NOTCH3 (notch receptor 3; minus strand). Cytogenetic location: 19p13.12.
Variant type: single nucleotide variant.
Coding change: c.3838C>A on transcript NM_000435.3 (MANE Select); coding-DNA position 3838, C replaced by A.
Protein change: p.Pro1280Thr; replaces proline 1280 with threonine.
Molecular consequence: missense variant.
Genome position (GRCh38, 1-based): chr19:15,178,090, G>T on the plus strand (C>A on the coding strand, the complement: NOTCH3 is on the minus strand). VCF-style: chr19-15178090-G-T. GRCh37 (hg19) VCF-style: chr19-15288901-G-T.
Other names: c.3838C>A (NM_000435.2); short protein forms P1280T.
Identifiers: ClinVar variation 1048812 (VCV001048812.9), dbSNP rs958354298, ClinGen allele CA404507064.

ClinVar aggregate classification (germline): Conflicting classifications of pathogenicity. Review status: criteria provided, conflicting classifications (1 of 4 stars). 5 submissions from 5 submitters: Uncertain significance (2); Likely benign (1). 2 of the submissions do not count toward it. Last evaluated 2025-12-08.

Conditions:
Inborn genetic diseases. Identifiers: MedGen C0950123, MeSH D030342.
NOTCH3-related disorder. Also called: NOTCH3-related condition; NOTCH3-related disorders.

Submissions (5):

Labcorp Genetics (formerly Invitae), Labcorp
Classification: Uncertain significance. Last evaluated: 2025-12-08. Review status: criteria provided, single submitter. Criteria: Invitae Variant Classification Sherloc (09022015). Collection method: clinical testing. Allele origin: germline.
Comment: This sequence change replaces proline, which is neutral and non-polar, with threonine, which is neutral and polar, at codon 1280 of the NOTCH3 protein (p.Pro1280Thr). The frequency data for this variant in the population databases is considered unreliable, as metrics indicate poor data quality at this position in the gnomAD database. This variant has not been reported in the literature in individuals affected with NOTCH3-related conditions. ClinVar contains an entry for this variant (Variation ID: 1048812). An algorithm developed to predict the effect of missense changes on protein structure and function (PolyPhen-2) suggests that this variant is likely to be tolerated. In summary, the available evidence is currently insufficient to determine the role of this variant in disease. Therefore, it has been classified as a Variant of Uncertain Significance.

Athena Diagnostics
Classification: Likely benign. Last evaluated: 2025-07-23. Review status: criteria provided, single submitter. Criteria: Athena Diagnostics Criteria. Collection method: clinical testing. Allele origin: unknown.
Comment: The frequency of this variant in the general population is higher than would generally be expected for pathogenic variants in this gene. Computational tools predict this amino acid change may be benign.

Ambry Genetics
Classification: Uncertain significance for Inborn genetic diseases. Last evaluated: 2022-01-18. Review status: criteria provided, single submitter. Criteria: Ambry Variant Classification Scheme 2023. Collection method: clinical testing. Allele origin: germline.

PreventionGenetics, part of Exact Sciences
Classification: Uncertain significance for NOTCH3-related condition. Last evaluated: 2023-12-11. Review status: no assertion criteria provided. Collection method: clinical testing. Allele origin: germline. Not counted in ClinVar's aggregate classification.
Comment: The NOTCH3 c.3838C>A variant is predicted to result in the amino acid substitution p.Pro1280Thr. To our knowledge, this variant has not been reported in the literature. This variant is reported in 0.0069% of alleles in individuals of European (Non-Finnish) descent in gnomAD. At this time, the clinical significance of this variant is uncertain due to the absence of conclusive functional and genetic evidence.

Department of Pathology and Laboratory Medicine, Sinai Health System
Classification: Uncertain significance. Review status: no assertion criteria provided. Collection method: clinical testing. Allele origin: unknown. Affected: yes. Study: The Canadian Open Genetics Repository (COGR). Not counted in ClinVar's aggregate classification.
Comment: The NOTCH3 p.Pro1280Thr variant was not identified in the literature nor was it identified in ClinVar or LOVD 3.0. The variant was identified in dbSNP (ID: rs958354298) and in control databases in 4 of 147776 chromosomes at a frequency of 0.00002707 (Genome Aggregation Database March 6, 2019, v2.1.1). The variant was observed in the European (non-Finnish) population in 4 of 57592 chromosomes (freq: 0.000069), but was not observed in the African, Latino, Ashkenazi Jewish, East Asian, European (Finnish), Other, or South Asian populations. The p.Pro1280 residue is conserved in mammals but not in more distantly related organisms and computational analyses (PolyPhen-2, SIFT, AlignGVGD, BLOSUM, MutationTaster) provide inconsistent predictions regarding the impact to the protein; this information is not very predictive of pathogenicity. The p.Pro1280Thr variant occurs in the first base of the exon; this position has been shown to be part of the splicing consensus sequence and variants involving this position sometimes affect splicing. However, in silico or computational prediction software programs (SpliceSiteFinder, MaxEntScan, NNSPLICE, GeneSplicer) do not predict a difference in splicing. In summary, based on the above information the clinical significance of this variant cannot be determined with certainty at this time. This variant is classified as a variant of uncertain significance.